The following is an entry in ClinVar:

ClinVar aggregate classification (germline): Uncertain significance (1 of 4 stars; one submission).

gnomAD v4.1: 35 of 1,612,954 alleles (0.0022%); highest among the groups gnomAD compares: South Asian, 0.018%; no homozygotes.

Submission:

GeneDx
Classification: Uncertain significance. Last evaluated: 2023-08-04. Review status: criteria provided, single submitter. Criteria: GeneDx Variant Classification Process June 2021. Collection method: clinical testing. Allele origin: germline. Affected: yes.
Comment: Not observed at significant frequency in large population cohorts (gnomAD); In silico analysis supports that this missense variant does not alter protein structure/function; Has not been previously published as pathogenic or benign to our knowledge

NM_001360.3(DHCR7):c.1135G>A (p.Glu379Lys)

Gene: DHCR7 (7-dehydrocholesterol reductase; minus strand). Cytogenetic location: 11q13.4.
Variant type: single nucleotide variant.
Coding change: c.1135G>A on transcript NM_001360.3 (MANE Select); coding-DNA position 1135, G replaced by A.
Protein change: p.Glu379Lys; replaces glutamic acid 379 with lysine.
Molecular consequence: missense variant. On other transcripts: synonymous variant (2), 3 prime UTR variant (1), intron variant (3).
Genome position (GRCh38, 1-based): chr11:71,435,668, C>T on the plus strand (G>A on the coding strand, the complement: DHCR7 is on the minus strand). VCF-style: chr11-71435668-C-T. GRCh37 (hg19) VCF-style: chr11-71146714-C-T.
Other names: c.1135G>A, p.Glu379Lys (NM_001163817.2, NM_001425109.1, NM_001425110.1 and 1 more transcripts); c.1186G>A, p.Glu396Lys (NM_001425107.1); c.1171G>A, p.Glu391Lys (NM_001425108.1); c.1269G>A, p.Ser423= (NM_001425112.1); c.1075G>A, p.Glu359Lys (NM_001425113.1); c.1039G>A, p.Glu347Lys (NM_001425114.1); c.1173G>A, p.Ser391= (NM_001425116.1); c.961G>A, p.Glu321Lys (NM_001425117.1); and 4 more; short protein forms E321K, E347K, E359K, E379K, E391K, E396K.
Identifiers: ClinVar variation 3340343 (VCV003340343.1).